The following is an entry in ClinVar:

ClinVar aggregate classification (germline): Uncertain significance (1 of 4 stars; one submission).

Conditions:
Naxos disease (NXD). Also called: KERATOSIS PALMOPLANTARIS WITH ARRHYTHMOGENIC CARDIOMYOPATHY; MAL DE NAXOS; PALMOPLANTAR KERATODERMA WITH ARRHYTHMOGENIC RIGHT VENTRICULAR CARDIOMYOPATHY AND WOOLLY HAIR; WOOLLY HAIR, PALMOPLANTAR KERATODERMA, AND CARDIAC ABNORMALITIES; CARDIOMYOPATHY, ARRHYTHMOGENIC RIGHT VENTRICULAR, WITH SKIN, HAIR, AND NAIL ABNORMALITIES. Identifiers: Orphanet 34217, MedGen C1832600, MONDO:0011017, OMIM 601214.
Arrhythmogenic right ventricular dysplasia 12. Also called: ARRHYTHMOGENIC RIGHT VENTRICULAR DYSPLASIA, FAMILIAL, 12. Identifiers: MedGen C1969081, MONDO:0012684, OMIM 611528.

Submission:

Labcorp Genetics (formerly Invitae), Labcorp
Classification: Uncertain significance for Arrhythmogenic right ventricular dysplasia 12; Naxos disease. Last evaluated: 2020-10-30. Review status: criteria provided, single submitter. Criteria: Invitae Variant Classification Sherloc (09022015). Collection method: clinical testing. Allele origin: germline.
Comment: In summary, the available evidence is currently insufficient to determine the role of this variant in disease. Therefore, it has been classified as a Variant of Uncertain Significance. Algorithms developed to predict the effect of missense changes on protein structure and function (SIFT, PolyPhen-2, Align-GVGD) all suggest that this variant is likely to be tolerated, but these predictions have not been confirmed by published functional studies and their clinical significance is uncertain. This variant has not been reported in the literature in individuals with JUP-related conditions. This variant is not present in population databases (ExAC no frequency). This sequence change replaces glutamic acid with aspartic acid at codon 470 of the JUP protein (p.Glu470Asp). The glutamic acid residue is highly conserved and there is a small physicochemical difference between glutamic acid and aspartic acid.

NM_002230.4(JUP):c.1410G>C (p.Glu470Asp)

Gene: JUP (junction plakoglobin; minus strand). Cytogenetic location: 17q21.2.
Variant type: single nucleotide variant.
Coding change: c.1410G>C on transcript NM_002230.4 (MANE Select); coding-DNA position 1410, G replaced by C.
Protein change: p.Glu470Asp; replaces glutamic acid 470 with aspartic acid.
Molecular consequence: missense variant.
Genome position (GRCh38, 1-based): chr17:41,763,070, C>G on the plus strand (G>C on the coding strand, the complement: JUP is on the minus strand). VCF-style: chr17-41763070-C-G. GRCh37 (hg19) VCF-style: chr17-39919322-C-G.
Other names: c.1410G>C, p.Glu470Asp (NM_001352773.2, NM_001352774.2, NM_001352775.2 and 3 more transcripts); short protein forms E470D.
Identifiers: ClinVar variation 1523763 (VCV001523763.8), dbSNP rs2143559758, ClinGen allele CA399496546.